The following is an entry in ClinVar:

NM_000518.5(HBB):c.437A>G (p.Tyr146Cys)

Genes: HBB (hemoglobin subunit beta; minus strand), LOC107133510 (origin of replication at HBB; plus strand), LOC110006319 (beta-globin gene 3' regulatory region; plus strand). Cytogenetic location: 11p15.4.
Variant type: single nucleotide variant.
Coding change: c.437A>G on transcript NM_000518.5 (MANE Select); coding-DNA position 437, A replaced by G.
Protein change: p.Tyr146Cys; replaces tyrosine 146 with cysteine.
Molecular consequence: missense variant.
Genome position (GRCh38, 1-based): chr11:5,225,605, T>C on the plus strand (A>G on the coding strand, the complement: HBB is on the minus strand). VCF-style: chr11-5225605-T-C. GRCh37 (hg19) VCF-style: chr11-5246835-T-C.
Other names: Y145C; short protein forms Y146C.
Identifiers: ClinVar variation 15322 (VCV000015322.10), dbSNP rs35117167, ClinGen allele CA125120.

ClinVar aggregate classification (germline): Pathogenic. Review status: criteria provided, multiple submitters, no conflicts (2 of 4 stars). 4 submissions from 3 submitters: Pathogenic (2). 2 of the submissions do not count toward it. Last evaluated 2020-04-21.

Conditions:
Erythrocytosis, familial, 6. Also called: ERYTHROCYTOSIS, BETA-GLOBIN TYPE; POLYCYTHEMIA, BETA-GLOBIN TYPE. Identifiers: MedGen C4693822, MONDO:0054801, OMIM 617980.
HEMOGLOBIN RAINIER.

Submissions (4):

ARUP Laboratories, Molecular Genetics and Genomics, ARUP Laboratories
Classification: Pathogenic. Last evaluated: 2020-04-21. Review status: criteria provided, single submitter. Criteria: ARUP Molecular Germline Variant Investigation Process. Collection method: clinical testing. Allele origin: germline.
Comment: The Hb Rainier variant (HBB: c.437A>G; p.Tyr146Cys, also known as Tyr145Cys when numbered from the mature protein, rs35117167) is reported in the literature in the heterozygous state in multiple individuals affected with erythrocytosis (see link to HbVar and references therein, Adamson 1969). This variant is reported in ClinVar (Variation ID: 15322), and is absent from general population databases (Exome Variant Server, Genome Aggregation Database), indicating it is not a common polymorphism. The tyrosine at codon 146 is highly conserved, and functional analyses of the variant protein show increased oxygen affinity (see link to HbVar, Adamson 1969). Additionally, other amino acid substitutions at this codon (Hb Nancy, Hb Osler, Hb Bethesda, Hb McKees Rocks) have been reported in individuals with erythrocytosis and are considered pathogenic (HbVar IDs: 570, 572, 573, 574), and several hemoglobin variants with high oxygen affinity leading to erythrocytosis are located at the carboxy-terminal end of the HBB gene (Wajcman 2004). Based on available information, the Hb Rainier variant is considered to be pathogenic. References: Link to HbVar for Hb Rainier: Adamson JW et al. Erythrocytosis associated with hemoglobin Rainier: oxygen equilibria and marrow regulation. J Clin Invest. 1969 Aug;48(8):1376-86. Wajcman H and Galacteros F. Hemoglobins with high oxygen affinity leading to erythrocytosis. New variants and new concepts. Hemoglobin. 2005;29(2):91-106.

Quest Diagnostics Nichols Institute San Juan Capistrano
Classification: Pathogenic. Last evaluated: 2019-11-11. Review status: criteria provided, single submitter. Criteria: Quest Diagnostics criteria. Collection method: clinical testing. Allele origin: unknown.
Comment: Not found in the total gnomAD dataset, and the data is high quality. Conflicting predictions of the effect on the protein. Other pathogenic or likely pathogenic variants affect the same amino acid. Assessment of experimental evidence suggests this variant results in abnormal protein function. Very strong co-segregation with disease, and data include affected and unaffected individuals from multiple families.

OMIM
Classification: other for HEMOGLOBIN RAINIER. Last evaluated: 2017-12-12. Review status: no assertion criteria provided. Collection method: literature only. Allele origin: germline. Not counted in ClinVar's aggregate classification.

OMIM
Classification: Pathogenic for ERYTHROCYTOSIS 6. Last evaluated: 1999-05-01. Review status: no assertion criteria provided. Collection method: literature only. Allele origin: germline. Not counted in ClinVar's aggregate classification.

Literature cited by the submitters: PubMed 747183 (cited by Quest Diagnostics Nichols Institute San Juan Capistrano); PubMed 5796352 (cited by Quest Diagnostics Nichols Institute San Juan Capistrano and OMIM); PubMed 478981 (cited by Quest Diagnostics Nichols Institute San Juan Capistrano); PubMed 3793825 (cited by Quest Diagnostics Nichols Institute San Juan Capistrano); PubMed 10335979 (cited by Quest Diagnostics Nichols Institute San Juan Capistrano and OMIM); PubMed 28685465 (cited by Quest Diagnostics Nichols Institute San Juan Capistrano); PubMed 11946541 (cited by Quest Diagnostics Nichols Institute San Juan Capistrano); PubMed 8954892 (cited by Quest Diagnostics Nichols Institute San Juan Capistrano); PubMed 29790589 (cited by Quest Diagnostics Nichols Institute San Juan Capistrano); PubMed 31132167 (cited by Quest Diagnostics Nichols Institute San Juan Capistrano); PubMed 5347519 (cited by OMIM); PubMed 17795074 (cited by OMIM); PubMed 5280664 (cited by OMIM); PubMed 5282843 (cited by OMIM); PubMed 5026295 (cited by OMIM); PubMed 3839762 (cited by OMIM).